The following is an entry in ClinVar:

NM_033022.4(RPS24):c.333G>A (p.Lys111=)

Gene: RPS24 (ribosomal protein S24; plus strand). Cytogenetic location: 10q22.3.
Variant type: single nucleotide variant.
Coding change: c.333G>A on transcript NM_033022.4 (MANE Select); coding-DNA position 333, G replaced by A.
Protein change: p.Lys111=; no amino-acid change (lysine 111 retained).
Molecular consequence: synonymous variant.
Genome position (GRCh38, 1-based): chr10:78,037,247, G>A. VCF-style: chr10-78037247-G-A. GRCh37 (hg19) VCF-style: chr10-79797005-G-A.
Other names: c.333G>A, p.Lys111= (NM_001026.5, NM_001142282.2, NM_001142283.2 and 2 more transcripts).
Identifiers: ClinVar variation 301096 (VCV000301096.14), dbSNP rs144291219, ClinGen allele CA5571988.
Genomic context (GRCh38, chr10:78,037,247, plus strand): 5'-CATTCAGCATGGCCTGTATGAGAAGAAAAAGACCTCAAGAAAGCAACGAAAGGAACGCAA[G>A]AACAGAATGAAGAAAGTCAGGGGGACTGCAAAGGCCAATGTTGGTGCTGGCAAAAAGGTA-3'
Protein context (NP_148982.1, residues 101-121): KTSRKQRKER[Lys111=]NRMKKVRGTA

ClinVar aggregate classification (germline): Likely benign. Review status: criteria provided, multiple submitters, no conflicts (2 of 4 stars). 3 submissions from 3 submitters: Likely benign (3). Last evaluated 2025-05-11.

Conditions:
Diamond-Blackfan anemia 3 (DBA3). Also called: RPS24-Related Diamond-Blackfan Anemia. Identifiers: Orphanet 124, MedGen C1857719, MONDO:0012529, OMIM 610629.
Diamond-Blackfan anemia. Also called: Aase syndrome; Blackfan Diamond syndrome; Aregenerative anemia chronic congenital; Red cell aplasia, pure hereditary; Congenital hypoplastic anemia. Identifiers: Orphanet 124, MedGen C1260899, MeSH D029503, MONDO:0015253, HP:0004810.

Allele frequency attached by ClinVar (database versions not stated): gnomAD 0.00001; TOPMed 0.00001; ExAC 0.00004; gnomAD exomes 0.00004 and 0.00011; ESP Exome Variant Server 0.00008.
gnomAD v4.1: 158 of 1,608,270 alleles (0.0098%); highest among the groups gnomAD compares: Non-Finnish European, 0.013%; no homozygotes.

Submissions (3):

Labcorp Genetics (formerly Invitae), Labcorp
Classification: Likely benign for Diamond-Blackfan anemia. Last evaluated: 2025-05-11. Review status: criteria provided, single submitter. Criteria: Invitae Variant Classification Sherloc (09022015). Collection method: clinical testing. Allele origin: germline.

Blueprint Genetics
Classification: Likely benign. Last evaluated: 2023-12-11. Review status: criteria provided, single submitter. Criteria: ACMG Guidelines, 2015. Collection method: clinical testing. Allele origin: germline.

Illumina Laboratory Services, Illumina
Classification: Likely benign for Diamond-Blackfan anemia 3. Last evaluated: 2018-01-13. Review status: criteria provided, single submitter. Criteria: ICSL Variant Classification Criteria 13 December 2019. Collection method: clinical testing. Allele origin: germline.
Comment: This variant was observed in the ICSL laboratory as part of a predisposition screen in an ostensibly healthy population. It had not been previously curated by ICSL or reported in the Human Gene Mutation Database (HGMD: prior to June 1st, 2018), and was therefore a candidate for classification through an automated scoring system. Utilizing variant allele frequency, disease prevalence and penetrance estimates, and inheritance mode, an automated score was calculated to assess if this variant is too frequent to cause the disease. Based on the score and internal cut-off values, a variant classified as likely benign is not then subjected to further curation. The score for this variant resulted in a classification of likely benign for this disease.